The following is an entry in ClinVar:

ClinVar aggregate classification (germline): Benign. Review status: criteria provided, multiple submitters, no conflicts (2 of 4 stars). 2 submissions from 2 submitters: Benign (2). Last evaluated 2018-06-18.

Allele frequency attached by ClinVar (database versions not stated): 1000 Genomes Project 30x 0.03498; 1000 Genomes Project 0.03534; TOPMed 0.05424; gnomAD 0.05776 and 0.05847; gnomAD exomes 0.06530.
gnomAD v4.1: 37,630 of 590,604 alleles (6.4%); highest among the groups gnomAD compares: Middle Eastern, 9.7%; 1,481 homozygotes.

Submissions (2):

GeneDx
Classification: Benign. Last evaluated: 2018-06-18. Review status: criteria provided, single submitter. Criteria: GeneDx Variant Classification (06012015). Collection method: clinical testing. Allele origin: germline. Affected: yes.
Comment: This variant is considered likely benign or benign based on one or more of the following criteria: it is a conservative change, it occurs at a poorly conserved position in the protein, it is predicted to be benign by multiple in silico algorithms, and/or has population frequency not consistent with disease.

Breakthrough Genomics
Classification: Benign. Review status: criteria provided, single submitter. Criteria: ACMG Guidelines, 2015. Collection method: not provided. Allele origin: germline. Inheritance: Autosomal recessive inheritance. Affected: yes.

NM_170707.4(LMNA):c.937-275A>G

Gene: LMNA (lamin A/C; plus strand). Cytogenetic location: 1q22.
Variant type: single nucleotide variant.
Coding change: c.937-275A>G on transcript NM_170707.4 (MANE Select); 275 bases into the intron before coding-DNA position 937, A replaced by G.
Molecular consequence: intron variant.
Genome position (GRCh38, 1-based): chr1:156,135,626, A>G. VCF-style: chr1-156135626-A-G. GRCh37 (hg19) VCF-style: chr1-156105417-A-G.
Other names: c.937-275A>G (NM_001282625.2, NM_001282626.2, NM_170708.4 and 1 more transcripts); c.601-275A>G (NM_001257374.3); c.694-275A>G (NM_001282624.2).
Identifiers: ClinVar variation 669008 (VCV000669008.2), dbSNP rs76017998, ClinGen allele CA10781555.
Genomic context (GRCh38, chr1:156,135,626, plus strand): 5'-AATCTCCCTAACTCAGAGTTGCCACAGGACTCTGCAATGTGAGGTGTTAAAAGCATCAGT[A>G]TTTTTCTAGTTGGCTGTGCTATTTGTGACAGGAGAAAAAGTCTAGCCTCAGAACGAGAGG-3'